The following is an entry in ClinVar:

NM_000078.3(CETP):c.683T>C (p.Ile228Thr)

Gene: CETP (cholesteryl ester transfer protein; plus strand). Cytogenetic location: 16q13.
Variant type: single nucleotide variant.
Coding change: c.683T>C on transcript NM_000078.3 (MANE Select); coding-DNA position 683, T replaced by C.
Protein change: p.Ile228Thr; replaces isoleucine 228 with threonine.
Molecular consequence: missense variant.
Genome position (GRCh38, 1-based): chr16:56,972,016, T>C. VCF-style: chr16-56972016-T-C. GRCh37 (hg19) VCF-style: chr16-57005928-T-C.
Other names: c.683T>C (NM_000078.2); c.683T>C, p.Ile228Thr (NM_001286085.2); short protein forms I228T.
Identifiers: ClinVar variation 2891132 (VCV002891132.4), dbSNP rs141794398, ClinGen allele CA8071059.

ClinVar aggregate classification (germline): Uncertain significance. Review status: criteria provided, multiple submitters, no conflicts (2 of 4 stars). 2 submissions from 2 submitters: Uncertain significance (2). Last evaluated 2025-07-02.

Allele frequency attached by ClinVar (database versions not stated): ExAC 0.00001; gnomAD 0.00001; TOPMed 0.00001; gnomAD exomes 0.00003; ESP Exome Variant Server 0.00008.
gnomAD v4.1: 42 of 1,613,950 alleles (0.0026%); highest among the groups gnomAD compares: South Asian, 0.011%; no homozygotes.

Submissions (2):

Ambry Genetics
Classification: Uncertain significance. Last evaluated: 2025-07-02. Review status: criteria provided, single submitter. Criteria: Ambry Variant Classification Scheme 2023. Collection method: clinical testing. Allele origin: germline.

Labcorp Genetics (formerly Invitae), Labcorp
Classification: Uncertain significance. Last evaluated: 2023-09-28. Review status: criteria provided, single submitter. Criteria: Invitae Variant Classification Sherloc (09022015). Collection method: clinical testing. Allele origin: germline.
Comment: This sequence change replaces isoleucine, which is neutral and non-polar, with threonine, which is neutral and polar, at codon 228 of the CETP protein (p.Ile228Thr). This variant is present in population databases (rs141794398, gnomAD 0.01%). This variant has not been reported in the literature in individuals affected with CETP-related conditions. Advanced modeling of protein sequence and biophysical properties (such as structural, functional, and spatial information, amino acid conservation, physicochemical variation, residue mobility, and thermodynamic stability) performed at Invitae indicates that this missense variant is not expected to disrupt CETP protein function. In summary, the available evidence is currently insufficient to determine the role of this variant in disease. Therefore, it has been classified as a Variant of Uncertain Significance.